The following is an entry in ClinVar:

NM_177438.3(DICER1):c.4249T>G (p.Tyr1417Asp)

Gene: DICER1 (dicer 1, ribonuclease III; minus strand). Cytogenetic location: 14q32.13.
Variant type: single nucleotide variant.
Coding change: c.4249T>G on transcript NM_177438.3 (MANE Select); coding-DNA position 4249, T replaced by G.
Protein change: p.Tyr1417Asp; replaces tyrosine 1417 with aspartic acid.
Molecular consequence: missense variant. On other transcripts: non-coding transcript variant (6).
Genome position (GRCh38, 1-based): chr14:95,096,671, A>C on the plus strand (T>G on the coding strand, the complement: DICER1 is on the minus strand). VCF-style: chr14-95096671-A-C. GRCh37 (hg19) VCF-style: chr14-95563008-A-C.
Other names: c.4249T>G, p.Tyr1417Asp (NM_001195573.1, NM_001271282.3, NM_001291628.2 and 12 more transcripts); c.3967T>G, p.Tyr1323Asp (NM_001395686.1); c.3844T>G, p.Tyr1282Asp (NM_001395687.1, NM_001395688.1, NM_001395689.1 and 2 more transcripts); c.3682T>G, p.Tyr1228Asp (NM_001395691.1); c.2566T>G, p.Tyr856Asp (NM_001395697.1); short protein forms Y1323D, Y1228D, Y1417D, Y856D, Y1282D.
Identifiers: ClinVar variation 3652758 (VCV003652758.2).

ClinVar aggregate classification (germline): Uncertain significance (1 of 4 stars; one submission).

Conditions:
DICER1-related tumor predisposition. Also called: DICER1 syndrome; DICER1-related pleuropulmonary blastoma cancer predisposition syndrome. Identifiers: Orphanet 284343, MedGen C3839822, MONDO:0100216.

Submission:

Labcorp Genetics (formerly Invitae), Labcorp
Classification: Uncertain significance for DICER1-related tumor predisposition. Last evaluated: 2024-05-09. Review status: criteria provided, single submitter. Criteria: Invitae Variant Classification Sherloc (09022015). Collection method: clinical testing. Allele origin: germline.
Comment: This sequence change replaces tyrosine, which is neutral and polar, with aspartic acid, which is acidic and polar, at codon 1417 of the DICER1 protein (p.Tyr1417Asp). This variant is not present in population databases (gnomAD no frequency). This variant has not been reported in the literature in individuals affected with DICER1-related conditions. An algorithm developed to predict the effect of missense changes on protein structure and function (PolyPhen-2) suggests that this variant is likely to be tolerated. In summary, the available evidence is currently insufficient to determine the role of this variant in disease. Therefore, it has been classified as a Variant of Uncertain Significance.